The following is an entry in ClinVar:

NM_002519.3(NPAT):c.2879A>G (p.Asn960Ser)

Gene: NPAT (nuclear protein, coactivator of histone transcription; minus strand). Cytogenetic location: 11q22.3.
Variant type: single nucleotide variant.
Coding change: c.2879A>G on transcript NM_002519.3 (MANE Select); coding-DNA position 2879, A replaced by G.
Protein change: p.Asn960Ser; replaces asparagine 960 with serine.
Molecular consequence: missense variant.
Genome position (GRCh38, 1-based): chr11:108,169,950, T>C on the plus strand (A>G on the coding strand, the complement: NPAT is on the minus strand). VCF-style: chr11-108169950-T-C. GRCh37 (hg19) VCF-style: chr11-108040677-T-C.
Other names: c.2879A>G, p.Asn960Ser (NM_001321307.1); short protein forms N960S.
Identifiers: ClinVar variation 2568003 (VCV002568003.2), dbSNP rs2496711251, ClinGen allele CA382512035.

ClinVar aggregate classification (germline): Uncertain significance (1 of 4 stars; one submission).

Submission:

Ambry Genetics
Classification: Uncertain significance. Last evaluated: 2023-05-15. Review status: criteria provided, single submitter. Criteria: Ambry Variant Classification Scheme 2023. Collection method: clinical testing. Allele origin: germline.
Comment: The p.N960S variant (also known as c.2879A>G), located in coding exon 14 of the NPAT gene, results from an A to G substitution at nucleotide position 2879. The asparagine at codon 960 is replaced by serine, an amino acid with highly similar properties. This amino acid position is conserved. In addition, this alteration is predicted to be tolerated by in silico analysis. Since supporting evidence is limited at this time, the clinical significance of this alteration remains unclear.